The following is an entry in ClinVar:

NM_001267550.2(TTN):c.59067_59070del (p.Asp19691fs)

Genes: TTN (titin; minus strand), TTN-AS1 (TTN antisense RNA 1; plus strand). Cytogenetic location: 2q31.2.
Variant type: Deletion.
Coding change: c.59067_59070del on transcript NM_001267550.2 (MANE Select); coding-DNA positions 59067 to 59070, 4 bases deleted (AATA; older notation c.59067_59070delAATA).
Protein change: p.Asp19691fs; shifts the reading frame from aspartic acid 19691.
Molecular consequence: frameshift variant.
Genome position (GRCh38, 1-based): chr2:178,593,049-178,593,052, TATT deleted on the plus strand (AATA on the coding strand, the reverse complement: TTN is on the minus strand). VCF-style (leftmost placement, unchanged base first): chr2-178593048-CTATT-C. GRCh37 (hg19) VCF-style: chr2-179457775-CTATT-C.
Other names: c.31872_31875delAATA (NM_003319.4); c.54144_54147del, p.Asp18050fs (NM_001256850.1); c.31872_31875del, p.Asp10626fs (NM_003319.4); c.51363_51366del, p.Asp17123fs (NM_133378.4); c.32247_32250del, p.Asp10751fs (NM_133432.3); c.32448_32451del, p.Asp10818fs (NM_133437.4); short protein forms D18050fs, D10626fs, D17123fs, D19691fs, D10751fs, D10818fs.
Identifiers: ClinVar variation 4824742 (VCV004824742.1).
Genomic context (GRCh38, chr2:178,593,048, plus strand): 5'-TGCTCCCACCATCATGACGTGGTGGCTGCCAAGTTAGATCGACTGAATTGCATGTTGTAT[CTATT>C]GCTTCAGGATTAACAGGTGGACTTGGTTTAGCTAAAAAATAAAAGTAAAAAACGAATTAG-3'

ClinVar aggregate classification (germline): Likely pathogenic (1 of 4 stars; one submission).

Conditions:
Cardiovascular phenotype. Identifiers: MedGen CN230736.

Submission:

Ambry Genetics
Classification: Likely pathogenic for Cardiovascular phenotype. Last evaluated: 2026-02-03. Review status: criteria provided, single submitter. Criteria: Ambry Variant Classification Scheme 2023. Collection method: clinical testing. Allele origin: germline.
Comment: The c.31872_31875delAATA variant, located in coding exon 127 of the TTN gene, results from a deletion of 4 nucleotides at nucleotide positions 31872 to 31875, causing a translational frameshift with a predicted alternate stop codon (p.D10626Qfs*8). This exon is located in the A-band region of the N2-B isoform of the titin protein and is constitutively expressed in TTN transcripts (percent spliced in or PSI 100%). This variant is considered to be rare based on population cohorts in the Genome Aggregation Database (gnomAD). This variant is expected to result in loss of function by premature protein truncation or nonsense-mediated mRNA decay. While truncating variants in TTN are present in 1-3% of the general population, truncating variants in the A-band are the most common cause of dilated cardiomyopathy (Herman DS et al. N. Engl. J. Med., 2012 Feb;366:619-28; Roberts AM et al. Sci Transl Med, 2015 Jan;7:270ra6). TTN truncating variants encoded in constitutive exons (PSI >90%) have been found to be significantly associated with DCM regardless of their position in titin (Schafer S et al. Nat. Genet., 2017 01;49:46-53; Akhtar MM et al. Circ Heart Fail, 2020 Oct;13:e006832; Massier M et al. Clin Genet, 2025 Jan). Based on the majority of available evidence to date, this variant is likely to be pathogenic.